The following is an entry in ClinVar:

ClinVar aggregate classification (germline): Uncertain significance. Review status: criteria provided, multiple submitters, no conflicts (2 of 4 stars). 2 submissions from 2 submitters: Uncertain significance (2). Last evaluated 2025-03-17.

Conditions:
Inborn genetic diseases. Identifiers: MedGen C0950123, MeSH D030342.

Allele frequency attached by ClinVar (database versions not stated): TOPMed 0.00010; ExAC 0.00013; gnomAD 0.00014; ESP Exome Variant Server 0.00015.
gnomAD v4.1: 260 of 1,607,104 alleles (0.016%); highest among the groups gnomAD compares: Non-Finnish European, 0.016%; 1 homozygote.

Submissions (2):

Labcorp Genetics (formerly Invitae), Labcorp
Classification: Uncertain significance. Last evaluated: 2025-03-17. Review status: criteria provided, single submitter. Criteria: Invitae Variant Classification Sherloc (09022015). Collection method: clinical testing. Allele origin: germline.
Comment: This sequence change replaces glutamic acid, which is acidic and polar, with lysine, which is basic and polar, at codon 361 of the PDE2A protein (p.Glu361Lys). This variant is present in population databases (rs201256182, gnomAD 0.2%). This variant has not been reported in the literature in individuals affected with PDE2A-related conditions. ClinVar contains an entry for this variant (Variation ID: 2187988). An algorithm developed to predict the effect of missense changes on protein structure and function (PolyPhen-2) suggests that this variant is likely to be tolerated. In summary, the available evidence is currently insufficient to determine the role of this variant in disease. Therefore, it has been classified as a Variant of Uncertain Significance.

Ambry Genetics
Classification: Uncertain significance for Inborn genetic diseases. Last evaluated: 2021-07-20. Review status: criteria provided, single submitter. Criteria: Ambry Variant Classification Scheme 2023. Collection method: clinical testing. Allele origin: germline.

NM_002599.5(PDE2A):c.1081G>A (p.Glu361Lys)

Genes: PDE2A (phosphodiesterase 2A; minus strand), PDE2A-AS2 (PDE2A antisense RNA 2; plus strand). Cytogenetic location: 11q13.4.
Variant type: single nucleotide variant.
Coding change: c.1081G>A on transcript NM_002599.5 (MANE Select); coding-DNA position 1081, G replaced by A.
Protein change: p.Glu361Lys; replaces glutamic acid 361 with lysine.
Molecular consequence: missense variant.
Genome position (GRCh38, 1-based): chr11:72,586,171, C>T on the plus strand (G>A on the coding strand, the complement: PDE2A is on the minus strand). VCF-style: chr11-72586171-C-T. GRCh37 (hg19) VCF-style: chr11-72297215-C-T.
Other names: c.1060G>A, p.Glu354Lys (NM_001143839.4); c.1054G>A, p.Glu352Lys (NM_001146209.3); c.1018G>A, p.Glu340Lys (NM_001243784.2); c.1081G>A (NM_002599.4); short protein forms E340K, E352K, E361K, E354K.
Identifiers: ClinVar variation 2187988 (VCV002187988.4), dbSNP rs201256182, ClinGen allele CA6172311.